The following is an entry in ClinVar:

ClinVar aggregate classification (germline): Conflicting classifications of pathogenicity. Review status: criteria provided, conflicting classifications (1 of 4 stars). 3 submissions from 3 submitters: Uncertain significance (1); Benign (1); Likely benign (1). Last evaluated 2025-12-15.

Conditions:
Bethlem myopathy 1A. Also called: MYOPATHY, BENIGN CONGENITAL, WITH CONTRACTURES; Bethlem myopathy 1; Bethlem Muscular Dystrophy. Identifiers: Orphanet 610, MedGen CN029274, MONDO:0024530, OMIM 158810.
Collagen 6-related myopathy. Identifiers: MedGen CN117976, MONDO:0100225.

Allele frequency attached by ClinVar (database versions not stated): gnomAD 0.00006; ExAC 0.00017; TOPMed 0.00033; 1000 Genomes Project 30x 0.00062; 1000 Genomes Project 0.00080.
gnomAD v4.1: 135 of 1,614,046 alleles (0.0084%); highest among the groups gnomAD compares: East Asian, 0.21%; 2 homozygotes.

Submissions (3):

Labcorp Genetics (formerly Invitae), Labcorp
Classification: Likely benign for Bethlem myopathy 1A. Last evaluated: 2025-12-15. Review status: criteria provided, single submitter. Criteria: Invitae Variant Classification Sherloc (09022015). Collection method: clinical testing. Allele origin: germline.

Revvity Omics, Revvity
Classification: Uncertain significance. Last evaluated: 2023-10-26. Review status: criteria provided, single submitter. Criteria: ACMG Guidelines, 2015. Collection method: clinical testing. Allele origin: germline.

Illumina Laboratory Services, Illumina
Classification: Benign for Collagen VI-related myopathy. Last evaluated: 2018-01-13. Review status: criteria provided, single submitter. Criteria: ICSL Variant Classification Criteria 13 December 2019. Collection method: clinical testing. Allele origin: germline.
Comment: This variant was observed in the ICSL laboratory as part of a predisposition screen in an ostensibly healthy population. It had not been previously curated by ICSL or reported in the Human Gene Mutation Database (HGMD: prior to June 1st, 2018), and was therefore a candidate for classification through an automated scoring system. Utilizing variant allele frequency, disease prevalence and penetrance estimates, and inheritance mode, an automated score was calculated to assess if this variant is too frequent to cause the disease. Based on the score and internal cut-off values, a variant classified as benign is not then subjected to further curation. The score for this variant resulted in a classification of benign for this disease.

NM_004369.4(COL6A3):c.3286C>T (p.Arg1096Cys)

Gene: COL6A3 (collagen type VI alpha 3 chain; minus strand). Cytogenetic location: 2q37.3.
Variant type: single nucleotide variant.
Coding change: c.3286C>T on transcript NM_004369.4 (MANE Select); coding-DNA position 3286, C replaced by T.
Protein change: p.Arg1096Cys; replaces arginine 1096 with cysteine.
Molecular consequence: missense variant.
Genome position (GRCh38, 1-based): chr2:237,374,805, G>A on the plus strand (C>T on the coding strand, the complement: COL6A3 is on the minus strand). VCF-style: chr2-237374805-G-A. GRCh37 (hg19) VCF-style: chr2-238283448-G-A.
Other names: c.2065C>T, p.Arg689Cys (NM_057164.5); c.2668C>T, p.Arg890Cys (NM_057165.5, NM_057167.4); c.1465C>T, p.Arg489Cys (NM_057166.5); short protein forms R1096C, R489C, R689C, R890C.
Identifiers: ClinVar variation 335130 (VCV000335130.16), dbSNP rs114852262, ClinGen allele CA2189198.
Genomic context (GRCh38, chr2:237,374,805, plus strand): 5'-GGACAAACTCCAGGGCGGCCCCGGTGTTGGGGGTCGGCCCTCCCAGCAGGGTCAGCTGGC[G>A]GACAGCGTTGACGACGTCCTGCTTGTTCATGTATGAATTCAGGTAGAACTCGGGCCTGGT-3'
Protein context (NP_004360.2, residues 1086-1106): MNKQDVVNAV[Arg1096Cys]QLTLLGGPTP